The following is an entry in ClinVar:

ClinVar aggregate classification (germline): Uncertain significance (1 of 4 stars; one submission).

Submission:

GeneDx
Classification: Uncertain significance. Last evaluated: 2023-06-26. Review status: criteria provided, single submitter. Criteria: GeneDx Variant Classification Process June 2021. Collection method: clinical testing. Allele origin: germline. Affected: yes.
Comment: Not observed at significant frequency in large population cohorts (gnomAD); In-frame deletion of 6 amino acids in a non-repeat region; In silico analysis supports a deleterious effect on protein structure/function; Has not been previously published as pathogenic or benign to our knowledge

NM_003024.3(ITSN1):c.1151_1168del (p.Ala384_Ala389del)

Gene: ITSN1 (intersectin 1; plus strand). Cytogenetic location: 21q22.11.
Variant type: Deletion.
Coding change: c.1151_1168del on transcript NM_003024.3 (MANE Select); coding-DNA positions 1151 to 1168, 18 bases deleted (CCCAGCTGGAGCGGGCGG).
Protein change: p.Ala384_Ala389del.
Genome position (GRCh38, 1-based): chr21:33,772,169-33,772,186, CCCAGCTGGAGCGGGCGG deleted; deleting any 18 consecutive bases within chr21:33,772,167-33,772,186 gives the same sequence; the c. name uses the placement nearest the transcript's 3' end. VCF-style (leftmost placement, unchanged base first): chr21-33772166-TGGCCCAGCTGGAGCGGGC-T. GRCh37 (hg19) VCF-style: chr21-35144470-TGGCCCAGCTGGAGCGGGC-T.
Other names: c.1151_1168del, p.Ala384_Ala389del (NM_001001132.2, NM_001331008.2, NM_001331009.2 and 2 more transcripts); c.1040_1057del, p.Ala347_Ala352del (NM_001331012.2).
Identifiers: ClinVar variation 3360141 (VCV003360141.1).